The following is an entry in ClinVar:

ClinVar aggregate classification (germline): Uncertain significance (0 of 4 stars; one submission).

Conditions:
Polycystic kidney disease. Also called: Polycystic kidney dysplasia; Kidney, Polycystic. Identifiers: MedGen C0022680, MeSH D007690, MONDO:0020642, HP:0000113.

Submission:

Department of Pathology and Laboratory Medicine, Sinai Health System
Classification: Uncertain significance for Polycystic Kidney disease. Review status: no assertion criteria provided. Collection method: clinical testing. Allele origin: unknown. Affected: yes. Study: The Canadian Open Genetics Repository (COGR).
Comment: The PKD1 p.Glu4128Lys variant was not identified in the literature nor was it identified in the dbSNP, ClinVar, LOVD 3.0, ADPKD Mutation Database, PKD1-LOVD, the Exome Aggregation Consortium (August 8th 2016) or the Genome Aggregation Database (Feb 27, 2017). The p.Glu4128 residue is conserved across mammals and other organisms and 4 of 5 computational analyses (PolyPhen-2, SIFT, AlignGVGD, BLOSUM, MutationTaster) suggest that the Lys variant may impact the protein; however, this information is not predictive enough to assume pathogenicity. The variant occurs outside of the splicing consensus sequence and in silico or computational prediction software programs (SpliceSiteFinder, MaxEntScan, NNSPLICE, GeneSplicer) do not predict a difference in splicing. In summary, based on the above information, the clinical significance of this variant cannot be determined with certainty at this time. This variant is classified as a variant of uncertain significance.

NM_001009944.3(PKD1):c.12382G>A (p.Glu4128Lys)

Gene: PKD1 (polycystin 1, transient receptor potential channel interacting; minus strand). Cytogenetic location: 16p13.3.
Variant type: single nucleotide variant.
Coding change: c.12382G>A on transcript NM_001009944.3 (MANE Select); coding-DNA position 12382, G replaced by A.
Protein change: p.Glu4128Lys; replaces glutamic acid 4128 with lysine.
Molecular consequence: missense variant.
Genome position (GRCh38, 1-based): chr16:2,090,347, C>T on the plus strand (G>A on the coding strand, the complement: PKD1 is on the minus strand). VCF-style: chr16-2090347-C-T. GRCh37 (hg19) VCF-style: chr16-2140348-C-T.
Other names: c.12379G>A, p.Glu4127Lys (NM_000296.4); short protein forms E4127K, E4128K.
Identifiers: ClinVar variation 997148 (VCV000997148.1), dbSNP rs1596473289, ClinGen allele CA394324926.